The following is an entry in ClinVar:

ClinVar aggregate classification (germline): Uncertain significance (1 of 4 stars; one submission).

Conditions:
Nephronophthisis 14 (NPHP14). Identifiers: Orphanet 2318, MedGen C3539071, MONDO:0013916, OMIM 614844.

Allele frequency attached by ClinVar (database versions not stated): gnomAD 0.00001; TOPMed 0.00001.
gnomAD v4.1: 1 of 1,606,468 alleles (0.000062%); highest among the groups gnomAD compares: African/African-American, 0.0013%; no homozygotes.

Submission:

Labcorp Genetics (formerly Invitae), Labcorp
Classification: Uncertain significance for Nephronophthisis 14. Last evaluated: 2025-01-15. Review status: criteria provided, single submitter. Criteria: Invitae Variant Classification Sherloc (09022015). Collection method: clinical testing. Allele origin: germline.
Comment: This sequence change replaces alanine, which is neutral and non-polar, with proline, which is neutral and non-polar, at codon 1108 of the ZNF423 protein (p.Ala1108Pro). This variant is not present in population databases (gnomAD no frequency). This variant has not been reported in the literature in individuals affected with ZNF423-related conditions. ClinVar contains an entry for this variant (Variation ID: 842903). Invitae Evidence Modeling of protein sequence and biophysical properties (such as structural, functional, and spatial information, amino acid conservation, physicochemical variation, residue mobility, and thermodynamic stability) indicates that this missense variant is not expected to disrupt ZNF423 protein function with a negative predictive value of 80%. In summary, the available evidence is currently insufficient to determine the role of this variant in disease. Therefore, it has been classified as a Variant of Uncertain Significance.

NM_001379286.1(ZNF423):c.3346G>C (p.Ala1116Pro)

Gene: ZNF423 (zinc finger protein 423; minus strand). Cytogenetic location: 16q12.1.
Variant type: single nucleotide variant.
Coding change: c.3346G>C on transcript NM_001379286.1 (MANE Select); coding-DNA position 3346, G replaced by C.
Protein change: p.Ala1116Pro; replaces alanine 1116 with proline.
Molecular consequence: missense variant.
Genome position (GRCh38, 1-based): chr16:49,635,830, C>G on the plus strand (G>C on the coding strand, the complement: ZNF423 is on the minus strand). VCF-style: chr16-49635830-C-G. GRCh37 (hg19) VCF-style: chr16-49669741-C-G.
Other names: c.3142G>C, p.Ala1048Pro (NM_001271620.2); c.2971G>C, p.Ala991Pro (NM_001330533.2); c.3322G>C, p.Ala1108Pro (NM_015069.5); short protein forms A991P, A1108P, A1048P, A1116P.
Identifiers: ClinVar variation 842903 (VCV000842903.11), dbSNP rs946073012, ClinGen allele CA281210763.